The following is an entry in ClinVar:

ClinVar aggregate classification (germline): Likely benign (0 of 4 stars; one submission).

Conditions:
CHD7-related disorder. Also called: CHD7-related condition.

Allele frequency attached by ClinVar (database versions not stated): gnomAD exomes below 0.00001; TOPMed below 0.00001.
gnomAD v4.1: 1 of 1,559,534 alleles (0.000064%); highest among the groups gnomAD compares: Admixed American, 0.0019%; no homozygotes.

Submission:

PreventionGenetics, part of Exact Sciences
Classification: Likely benign for CHD7-related condition. Last evaluated: 2020-10-12. Review status: no assertion criteria provided. Collection method: clinical testing. Allele origin: germline.
Comment: This variant is classified as likely benign based on ACMG/AMP sequence variant interpretation guidelines (Richards et al. 2015 PMID: 25741868, with internal and published modifications).

NM_017780.4(CHD7):c.7972-7T>C

Gene: CHD7 (chromodomain helicase DNA binding protein 7; plus strand). Cytogenetic location: 8q12.2.
Variant type: single nucleotide variant.
Coding change: c.7972-7T>C on transcript NM_017780.4 (MANE Select); 7 bases into the intron before coding-DNA position 7972, T replaced by C.
Molecular consequence: intron variant.
Genome position (GRCh38, 1-based): chr8:60,862,541, T>C. VCF-style: chr8-60862541-T-C. GRCh37 (hg19) VCF-style: chr8-61775100-T-C.
Other names: c.1825-7T>C (NM_001316690.1).
Identifiers: ClinVar variation 3031859 (VCV003031859.2), dbSNP rs1806046723, ClinGen allele CA1788124003.
Genomic context (GRCh38, chr8:60,862,541, plus strand): 5'-GGAGTAGATTAACAGAAAGGGGAGGGAAGACTGTGTTTTTAATCATTTGTCAAATGCCTC[T>C]ACCCAGATGGGTGGAGCTATGGCGCCTCCAATGAAGGATCTACCCAGGTGGCTGGAAGAA-3'